The following is an entry in ClinVar:

NM_001963.6(EGF):c.128-17T>C

Gene: EGF (epidermal growth factor; plus strand). Cytogenetic location: 4q25.
Variant type: single nucleotide variant.
Coding change: c.128-17T>C on transcript NM_001963.6 (MANE Select); 17 bases into the intron before coding-DNA position 128, T replaced by C.
Molecular consequence: intron variant.
Genome position (GRCh38, 1-based): chr4:109,940,929, T>C. VCF-style: chr4-109940929-T-C. GRCh37 (hg19) VCF-style: chr4-110862085-T-C.
Other names: c.128-17T>C (NM_001178130.3, NM_001178131.3, NM_001357021.2).
Identifiers: ClinVar variation 3614045 (VCV003614045.2).

ClinVar aggregate classification (germline): Uncertain significance (1 of 4 stars; one submission).

gnomAD v4.1: 1 of 1,612,558 alleles (0.000062%); highest among the groups gnomAD compares: African/African-American, 0.0013%; no homozygotes.

Submission:

Labcorp Genetics (formerly Invitae), Labcorp
Classification: Uncertain significance. Last evaluated: 2024-09-09. Review status: criteria provided, single submitter. Criteria: Invitae Variant Classification Sherloc (09022015). Collection method: clinical testing. Allele origin: germline.
Comment: This sequence change falls in intron 1 of the EGF gene. It does not directly change the encoded amino acid sequence of the EGF protein. This variant is not present in population databases (gnomAD no frequency). This variant has not been reported in the literature in individuals affected with EGF-related conditions. Algorithms developed to predict the effect of sequence changes on RNA splicing suggest that this variant may disrupt the consensus splice site. In summary, the available evidence is currently insufficient to determine the role of this variant in disease. Therefore, it has been classified as a Variant of Uncertain Significance.